The following is an entry in ClinVar:

NM_019892.6(INPP5E):c.516G>T (p.Pro172=)

Gene: INPP5E (inositol polyphosphate-5-phosphatase E; minus strand). Cytogenetic location: 9q34.3.
Variant type: single nucleotide variant.
Coding change: c.516G>T on transcript NM_019892.6 (MANE Select); coding-DNA position 516, G replaced by T.
Protein change: p.Pro172=; no amino-acid change (proline 172 retained).
Molecular consequence: synonymous variant.
Genome position (GRCh38, 1-based): chr9:136,438,904, C>A on the plus strand (G>T on the coding strand, the complement: INPP5E is on the minus strand). VCF-style: chr9-136438904-C-A. GRCh37 (hg19) VCF-style: chr9-139333356-C-A.
Other names: c.516G>T, p.Pro172= (NM_001318502.2); c.516G>T (NM_019892.5).
Identifiers: ClinVar variation 415750 (VCV000415750.12), dbSNP rs372551521, ClinGen allele CA5337146.

ClinVar aggregate classification (germline): Likely benign. Review status: criteria provided, single submitter (1 of 4 stars). 2 submissions from 2 submitters: Likely benign (1). 1 of the submissions does not count toward it. Last evaluated 2022-07-26.

Conditions:
INPP5E-related disorder. Also called: INPP5E-related condition.
Joubert syndrome. Also called: JOUBERT-BOLTSHAUSER SYNDROME; Familial aplasia of the vermis; CEREBELLOPARENCHYMAL DISORDER IV. Identifiers: Orphanet 475, MedGen C5979921, MONDO:0018772.

Allele frequency attached by ClinVar (database versions not stated): ExAC below 0.00001; gnomAD exomes 0.00002 and 0.00003; TOPMed 0.00002; gnomAD 0.00004; ESP Exome Variant Server 0.00016.
gnomAD v4.1: 52 of 1,578,374 alleles (0.0033%); highest among the groups gnomAD compares: Non-Finnish European, 0.0042%; 1 homozygote.

Submissions (2):

Labcorp Genetics (formerly Invitae), Labcorp
Classification: Likely benign for Joubert syndrome. Last evaluated: 2022-07-26. Review status: criteria provided, single submitter. Criteria: Invitae Variant Classification Sherloc (09022015). Collection method: clinical testing. Allele origin: germline.

PreventionGenetics, part of Exact Sciences
Classification: Likely benign for INPP5E-related condition. Last evaluated: 2024-02-13. Review status: no assertion criteria provided. Collection method: clinical testing. Allele origin: germline. Not counted in ClinVar's aggregate classification.
Comment: This variant is classified as likely benign based on ACMG/AMP sequence variant interpretation guidelines (Richards et al. 2015 PMID: 25741868, with internal and published modifications).